The following is an entry in ClinVar:

NM_005912.3(MC4R):c.20G>A (p.Arg7His)

Gene: MC4R (melanocortin 4 receptor; minus strand). Cytogenetic location: 18q21.32.
Variant type: single nucleotide variant.
Coding change: c.20G>A on transcript NM_005912.3 (MANE Select); coding-DNA position 20, G replaced by A.
Protein change: p.Arg7His; replaces arginine 7 with histidine.
Molecular consequence: missense variant.
Genome position (GRCh38, 1-based): chr18:60,372,330, C>T on the plus strand (G>A on the coding strand, the complement: MC4R is on the minus strand). VCF-style: chr18-60372330-C-T. GRCh37 (hg19) VCF-style: chr18-58039563-C-T.
Other names: short protein forms R7H.
Identifiers: ClinVar variation 2628745 (VCV002628745.9), dbSNP rs142837166, ClinGen allele CA8981003.

ClinVar aggregate classification (germline): Conflicting classifications of pathogenicity. Review status: criteria provided, conflicting classifications (1 of 4 stars). 4 submissions from 4 submitters: Pathogenic (1); Uncertain significance (3). Last evaluated 2026-04-07.

Conditions:
MC4R-related disorder. Also called: MC4R-related condition.
Early onset severe obesity. Identifiers: MedGen C4013980.
BODY MASS INDEX QUANTITATIVE TRAIT LOCUS 20 (BMIQ20). Also called: MELANOCORTIN 4 RECEPTOR DEFICIENCY; MC4R DEFICIENCY. Identifiers: MedGen C4759928, OMIM 618406.

Allele frequency attached by ClinVar (database versions not stated): ExAC 0.00004; gnomAD 0.00007; TOPMed 0.00013; ESP Exome Variant Server 0.00015.
gnomAD v4.1: 80 of 1,614,036 alleles (0.005%); highest among the groups gnomAD compares: African/African-American, 0.036%; no homozygotes.

Submissions (4):

PreventionGenetics, part of Exact Sciences
Classification: Uncertain significance for MC4R-related condition. Last evaluated: 2026-04-07. Review status: criteria provided, single submitter. Criteria: ACMG Guidelines, 2015. Collection method: clinical testing. Allele origin: germline.
Comment: The MC4R c.20G>A variant is predicted to result in the amino acid substitution p.Arg7His. This variant has been reported as heterozygous in multiple individuals with obesity (for example see: Lubrano-Berthelier et al. 2003. PubMed ID: 12851297; Albuquerque et al. 2014. PubMed ID: 24611737; Table 2, Kleinendorst et al. 2018. PubMed ID: 29970488). Functional studies have demonstrated this variant does not impact extracellular localization (Xiang et al. 2010. PubMed ID: 20462274), but that it does confer reduced constitutive activity (Srinivasan et al. 2004. PubMed ID: 15489963) and reduced B-arrestin recruitment (Lotta et al. 2019. PubMed ID: 31002796). This variant is reported in 0.045% of alleles in individuals of African descent in gnomAD. Although we suspect that this variant may be pathogenic, at this time, the clinical significance of this variant is uncertain due to the absence of conclusive functional and genetic evidence.

Cambridge Genomics Laboratory, East Genomic Laboratory Hub, NHS Genomic Medicine Service
Classification: Uncertain significance for Severe early-onset obesity. Last evaluated: 2025-12-08. Review status: criteria provided, single submitter. Criteria: ACGS Best Practice Guidelines for Variant Classification in Rare Disease 2020. Collection method: clinical testing. Allele origin: germline. Affected: yes.
Comment: PM2_Supporting,BP4

Center of Human Genetics, Hôpital Erasme
Classification: Pathogenic for BODY MASS INDEX QUANTITATIVE TRAIT LOCUS 20. Last evaluated: 2025-01-01. Review status: criteria provided, single submitter. Criteria: ACMG Guidelines, 2015. Collection method: clinical testing. Allele origin: unknown. Affected: yes.

Labcorp Genetics (formerly Invitae), Labcorp
Classification: Uncertain significance. Last evaluated: 2022-12-22. Review status: criteria provided, single submitter. Criteria: Invitae Variant Classification Sherloc (09022015). Collection method: clinical testing. Allele origin: germline.
Comment: In summary, the available evidence is currently insufficient to determine the role of this variant in disease. Therefore, it has been classified as a Variant of Uncertain Significance. Experimental studies have shown that this missense change affects MC4R function (PMID: 15489963, 20462274, 29311635, 31002796). Advanced modeling of protein sequence and biophysical properties (such as structural, functional, and spatial information, amino acid conservation, physicochemical variation, residue mobility, and thermodynamic stability) performed at Invitae indicates that this missense variant is not expected to disrupt MC4R protein function. This missense change has been observed in individual(s) with obesity (PMID: 24611737, 29970488). This variant is present in population databases (rs142837166, gnomAD 0.04%). This sequence change replaces arginine, which is basic and polar, with histidine, which is basic and polar, at codon 7 of the MC4R protein (p.Arg7His).

Literature cited by the submitters: PubMed 15489963 (cited by Labcorp Genetics (formerly Invitae), Labcorp); PubMed 20462274 (cited by Labcorp Genetics (formerly Invitae), Labcorp); PubMed 29311635 (cited by Labcorp Genetics (formerly Invitae), Labcorp); PubMed 31002796 (cited by Labcorp Genetics (formerly Invitae), Labcorp); PubMed 24611737 (cited by Labcorp Genetics (formerly Invitae), Labcorp); PubMed 29970488 (cited by Labcorp Genetics (formerly Invitae), Labcorp).